The following is an entry in ClinVar:

NM_000465.4(BARD1):c.939T>C (p.Ser313=)

Gene: BARD1 (BRCA1 associated RING domain 1; minus strand). Cytogenetic location: 2q35.
Variant type: single nucleotide variant.
Coding change: c.939T>C on transcript NM_000465.4 (MANE Select); coding-DNA position 939, T replaced by C.
Protein change: p.Ser313=; no amino-acid change (serine 313 retained).
Molecular consequence: synonymous variant. On other transcripts: non-coding transcript variant (2), intron variant (3).
Genome position (GRCh38, 1-based): chr2:214,780,935, A>G on the plus strand (T>C on the coding strand, the complement: BARD1 is on the minus strand). VCF-style: chr2-214780935-A-G. GRCh37 (hg19) VCF-style: chr2-215645659-A-G.
Other names: c.882T>C, p.Ser294= (NM_001282543.2); c.159-28380T>C (NM_001282548.2); c.215+16126T>C (NM_001282545.2); c.364+11362T>C (NM_001282549.2).
Identifiers: ClinVar variation 230619 (VCV000230619.17), dbSNP rs765858289, ClinGen allele CA10577829.

ClinVar aggregate classification (germline): Benign/Likely benign. Review status: criteria provided, multiple submitters, no conflicts (2 of 4 stars). 4 submissions from 4 submitters: Benign (1); Likely benign (3). Last evaluated 2024-07-23.

Conditions:
Hereditary cancer-predisposing syndrome. Also called: Neoplastic Syndromes, Hereditary; Tumor predisposition; Hereditary Cancer Syndrome; Hereditary neoplastic syndrome. Identifiers: Orphanet 140162, MedGen C0027672, MeSH D009386, MONDO:0015356.
Familial cancer of breast. Also called: BREAST CANCER, FAMILIAL; hereditary breast carcinoma; Hereditary breast cancer. Identifiers: Orphanet 227535, MedGen C0346153, MONDO:0016419, OMIM 114480. Disease mechanism: loss of function.

gnomAD v4.1: 11 of 1,613,948 alleles (0.00068%); highest among the groups gnomAD compares: Non-Finnish European, 0.00093%; no homozygotes.

Submissions (4):

Myriad Genetics, Inc.
Classification: Benign for Familial cancer of breast. Last evaluated: 2024-07-23. Review status: criteria provided, single submitter. Criteria: Myriad Autosomal Dominant, Autosomal Recessive and X-Linked Classification Criteria (2023). Collection method: clinical testing. Allele origin: unknown.
Comment: This variant is considered benign. This variant is a silent/synonymous amino acid change and it is not expected to impact splicing.

Labcorp Genetics (formerly Invitae), Labcorp
Classification: Likely benign for Familial cancer of breast. Last evaluated: 2023-11-24. Review status: criteria provided, single submitter. Criteria: Invitae Variant Classification Sherloc (09022015). Collection method: clinical testing. Allele origin: germline.

Color Diagnostics, LLC DBA Color Health
Classification: Likely benign for Hereditary cancer-predisposing syndrome. Last evaluated: 2019-02-20. Review status: criteria provided, single submitter. Criteria: ACMG Guidelines, 2015. Collection method: clinical testing. Allele origin: germline.

Ambry Genetics
Classification: Likely benign for Hereditary cancer-predisposing syndrome. Last evaluated: 2015-02-25. Review status: criteria provided, single submitter. Criteria: Ambry Variant Classification Scheme 2023. Collection method: clinical testing. Allele origin: germline.